The following is an entry in ClinVar:

ClinVar aggregate classification (germline): Pathogenic (1 of 4 stars; one submission).

Conditions:
Autosomal recessive distal spinal muscular atrophy 1. Also called: NEURONOPATHY, DISTAL HEREDITARY MOTOR, HARDING TYPE VI; NEUROPATHY, DISTAL HEREDITARY MOTOR, AUTOSOMAL RECESSIVE 1; HMN VI; NEURONOPATHY, SEVERE INFANTILE AXONAL, WITH RESPIRATORY FAILURE; SEVERE INFANTILE AXONAL NEUROPATHY WITH RESPIRATORY FAILURE; SPINAL MUSCULAR ATROPHY, DIAPHRAGMATIC. Identifiers: Orphanet 98920, MedGen C1858517, MONDO:0011436, OMIM 604320.
Charcot-Marie-Tooth disease axonal type 2S. Also called: CHARCOT-MARIE-TOOTH DISEASE, AXONAL, AUTOSOMAL RECESSIVE, TYPE 2S; CHARCOT-MARIE-TOOTH NEUROPATHY, TYPE 2S. Identifiers: Orphanet 443073, MedGen C4015349, MONDO:0014511, OMIM 616155.

Submission:

Labcorp Genetics (formerly Invitae), Labcorp
Classification: Pathogenic for Autosomal recessive distal spinal muscular atrophy 1; Charcot-Marie-Tooth disease axonal type 2S. Last evaluated: 2023-07-19. Review status: criteria provided, single submitter. Criteria: Invitae Variant Classification Sherloc (09022015). Collection method: clinical testing. Allele origin: germline.
Comment: This sequence change creates a premature translational stop signal (p.Ser317*) in the IGHMBP2 gene. It is expected to result in an absent or disrupted protein product. Loss-of-function variants in IGHMBP2 are known to be pathogenic (PMID: 14681881, 25439726, 25568292). This variant is not present in population databases (gnomAD no frequency). This variant has not been reported in the literature in individuals affected with IGHMBP2-related conditions. For these reasons, this variant has been classified as Pathogenic.

Literature cited by the submitters: PubMed 14681881; PubMed 25439726; PubMed 25568292.

NM_002180.3(IGHMBP2):c.948_949del (p.Lys316_Ser317insTer)

Gene: IGHMBP2 (immunoglobulin mu DNA binding protein 2; plus strand). Cytogenetic location: 11q13.3.
Variant type: Deletion.
Coding change: c.948_949del on transcript NM_002180.3 (MANE Select); coding-DNA positions 948 to 949, 2 bases deleted (AA; older notation c.948_949delAA).
Protein change: p.Lys316_Ser317insTer.
Molecular consequence: frameshift variant.
Genome position (GRCh38, 1-based): chr11:68,917,771-68,917,772, AA deleted; deleting any 2 consecutive bases within chr11:68,917,769-68,917,772 gives the same sequence; the c. name uses the placement nearest the transcript's 3' end. VCF-style (leftmost placement, unchanged base first): chr11-68917768-GAA-G. GRCh37 (hg19) VCF-style: chr11-68685236-GAA-G.
Identifiers: ClinVar variation 2938201 (VCV002938201.3), dbSNP rs2495994026, ClinGen allele CA2740093111.